The following is an entry in ClinVar:

ClinVar aggregate classification (germline): Likely pathogenic (1 of 4 stars; one submission).

Conditions:
Tumor predisposition syndrome 3 (TPDS3). Also called: Melanoma, cutaneous malignant, susceptibility to, 10; LONG TELOMERE SYNDROME, POT1-RELATED; POT1 Tumor Predisposition; Glioma susceptibility 9. Identifiers: Orphanet 618, MedGen C4014476, MONDO:0014368, OMIM 615848.

Allele frequency attached by ClinVar (database versions not stated): TOPMed below 0.00001.

Submission:

Labcorp Genetics (formerly Invitae), Labcorp
Classification: Likely pathogenic for Tumor predisposition syndrome 3. Last evaluated: 2021-07-29. Review status: criteria provided, single submitter. Criteria: Invitae Variant Classification Sherloc (09022015). Collection method: clinical testing. Allele origin: germline.
Comment: In summary, the currently available evidence indicates that the variant is pathogenic, but additional data are needed to prove that conclusively. Therefore, this variant has been classified as Likely Pathogenic. Algorithms developed to predict the effect of sequence changes on RNA splicing suggest that this variant may disrupt the consensus splice site. This variant has not been reported in the literature in individuals affected with POT1-related conditions. This variant is not present in population databases (ExAC no frequency). This sequence change affects an acceptor splice site in intron 9 of the POT1 gene. It is expected to disrupt RNA splicing. Variants that disrupt the donor or acceptor splice site typically lead to a loss of protein function (PMID: 16199547), and loss-of-function variants in POT1 are known to be pathogenic (PMID: 32155570).

Literature cited by the submitters: PubMed 16199547; PubMed 32155570.

NM_015450.3(POT1):c.703-2A>C

Gene: POT1 (protection of telomeres 1; minus strand). Cytogenetic location: 7q31.33.
Variant type: single nucleotide variant.
Coding change: c.703-2A>C on transcript NM_015450.3 (MANE Select); the canonical splice acceptor site of the intron before coding-DNA position 703, A replaced by C.
Molecular consequence: splice acceptor variant.
Genome position (GRCh38, 1-based): chr7:124,853,140, T>G on the plus strand (A>C on the coding strand, the complement: POT1 is on the minus strand). VCF-style: chr7-124853140-T-G. GRCh37 (hg19) VCF-style: chr7-124493194-T-G.
Other names: c.310-2A>C (NM_001042594.2).
Identifiers: ClinVar variation 1496973 (VCV001496973.6), dbSNP rs1795356111, ClinGen allele CA369055775.